The following is an entry in ClinVar:

NM_152490.5(B3GALNT2):c.1275_1278delinsCCT (p.Trp425fs)

Gene: B3GALNT2 (beta-1,3-N-acetylgalactosaminyltransferase 2; minus strand). Cytogenetic location: 1q42.3.
Variant type: Indel.
Coding change: c.1275_1278delinsCCT on transcript NM_152490.5 (MANE Select); coding-DNA positions 1275 to 1278, GCTG replaced by CCT.
Protein change: p.Trp425fs; shifts the reading frame from tryptophan 425.
Molecular consequence: frameshift variant.
Genome position (GRCh38, 1-based): chr1:235,454,189-235,454,192, CAGC replaced by AGG on the plus strand (GCTG replaced by CCT on the coding strand, the reverse complement: B3GALNT2 is on the minus strand). VCF-style: chr1-235454189-CAGC-AGG. GRCh37 (hg19) VCF-style: chr1-235617501-CAGC-AGG.
Other names: short protein forms W425fs.
Identifiers: ClinVar variation 965147 (VCV000965147.6), dbSNP rs1683058752, ClinGen allele CA1139656639.

ClinVar aggregate classification (germline): Pathogenic/Likely pathogenic. Review status: criteria provided, multiple submitters, no conflicts (2 of 4 stars). 2 submissions from 2 submitters: Pathogenic (1); Likely pathogenic (1). Last evaluated 2025-08-07.

Conditions:
Muscular dystrophy-dystroglycanopathy (congenital with brain and eye anomalies), type a, 11 (MDDGA11). Also called: Congenital muscular dystrophy-dystroglycanopathy with brain and eye anomalies, type A11; Muscular dystrophy-dystroglycanopathy (congenital with brain and eye anomalies, type A, 11; WALKER-WARBURG SYNDROME OR MUSCLE-EYE-BRAIN DISEASE, B3GALNT2-RELATED. Identifiers: Orphanet 588, Orphanet 899, MedGen C3554638, MONDO:0014071, OMIM 615181.

Submissions (2):

Variantyx, Inc.
Classification: Likely pathogenic for Muscular dystrophy-dystroglycanopathy (congenital with brain and eye anomalies), type a, 11. Last evaluated: 2025-08-07. Review status: criteria provided, single submitter. Criteria: Variantyx Assertion Criteria 2022. Collection method: clinical testing. Allele origin: germline. Inheritance: Autosomal recessive inheritance.
Comment: This is a frameshift variant in the B3GALNT2 gene (OMIM: 610194). Pathogenic variants in this gene have been associated with autosomal recessive congenital muscular dystrophy-dystroglycanopathy with brain and eye anomalies type A11. This variant introduces a premature termination codon in exon 10 out of 12 and is expected to result in loss of function, which is a known disease mechanism for B3GALNT2 in this disorder (PMID: 29273094, 23453667) (PVS1). This variant has a 0.0009% maximum allele frequency in non-founder control populations (PM2). Based on the current evidence, this variant is classified as likely pathogenic for autosomal recessive congenital muscular dystrophy-dystroglycanopathy with brain and eye anomalies type A11.

Labcorp Genetics (formerly Invitae), Labcorp
Classification: Pathogenic for Muscular dystrophy-dystroglycanopathy (congenital with brain and eye anomalies), type a, 11. Last evaluated: 2021-07-21. Review status: criteria provided, single submitter. Criteria: Invitae Variant Classification Sherloc (09022015). Collection method: clinical testing. Allele origin: germline.
Comment: For these reasons, this variant has been classified as Pathogenic. Loss-of-function variants in B3GALNT2 are known to be pathogenic (PMID: 23453667). This variant has not been reported in the literature in individuals with B3GALNT2-related conditions. This variant is not present in population databases (ExAC no frequency). This sequence change creates a premature translational stop signal (p.Trp425Cysfs*9) in the B3GALNT2 gene. It is expected to result in an absent or disrupted protein product.

Literature cited by the submitters: PubMed 29273094 (cited by Variantyx, Inc.); PubMed 23453667 (cited by Variantyx, Inc. and Labcorp Genetics (formerly Invitae), Labcorp).